The following is an entry in ClinVar:

NC_000017.10:g.(?_8215358)_(8224311_?)dup

Gene: ARHGEF15 (Rho guanine nucleotide exchange factor 15; plus strand). Cytogenetic location: 17p13.1.
Variant type: Duplication.
Identifiers: ClinVar variation 3242973 (VCV003242973.1).

ClinVar aggregate classification (germline): Uncertain significance (1 of 4 stars; one submission).

Conditions:
Developmental and epileptic encephalopathy. Identifiers: MedGen C5779964, MONDO:0100620.

Submission:

Labcorp Genetics (formerly Invitae), Labcorp
Classification: Uncertain significance for Early-infantile DEE. Last evaluated: 2023-09-22. Review status: criteria provided, single submitter. Criteria: Invitae Variant Classification Sherloc (09022015). Collection method: clinical testing. Allele origin: unknown.
Comment: A copy number gain of the genomic region encompassing the full coding sequence of the ARHGEF15 gene has been identified. The boundaries of this event are unknown as they extend beyond the assayed region for this gene and therefore may encompass additional genes. As the precise location of this event is unknown, it may be in tandem or it may be located elsewhere in the genome. This variant has not been reported in the literature in individuals affected with ARHGEF15-related conditions. In summary, the available evidence is currently insufficient to determine the role of this variant in disease. Therefore, it has been classified as a Variant of Uncertain Significance.